The following is an entry in ClinVar:

ClinVar aggregate classification (germline): Likely benign. Review status: criteria provided, single submitter (1 of 4 stars). 2 submissions from 2 submitters: Likely benign (1). 1 of the submissions does not count toward it. Last evaluated 2025-03-07.

Conditions:
TRMT5-related disorder. Also called: TRMT5-related condition.

Allele frequency attached by ClinVar (database versions not stated): gnomAD exomes below 0.00001; gnomAD 0.00001; TOPMed 0.00002; ExAC 0.00003; 1000 Genomes Project 0.00020; 1000 Genomes Project 30x 0.00031.
gnomAD v4.1: 11 of 1,614,126 alleles (0.00068%); highest among the groups gnomAD compares: East Asian, 0.018%; no homozygotes.

Submissions (2):

Labcorp Genetics (formerly Invitae), Labcorp
Classification: Likely benign. Last evaluated: 2025-03-07. Review status: criteria provided, single submitter. Criteria: Invitae Variant Classification Sherloc (09022015). Collection method: clinical testing. Allele origin: germline.

PreventionGenetics, part of Exact Sciences
Classification: Likely benign for TRMT5-related condition. Last evaluated: 2019-08-29. Review status: no assertion criteria provided. Collection method: clinical testing. Allele origin: germline. Not counted in ClinVar's aggregate classification.
Comment: This variant is classified as likely benign based on ACMG/AMP sequence variant interpretation guidelines (Richards et al. 2015 PMID: 25741868, with internal and published modifications).

NM_020810.3(TRMT5):c.214T>C (p.Leu72=)

Gene: TRMT5 (tRNA methyltransferase 5; minus strand). Cytogenetic location: 14q23.1.
Variant type: single nucleotide variant.
Coding change: c.214T>C on transcript NM_020810.3 (MANE Select); coding-DNA position 214, T replaced by C.
Protein change: p.Leu72=; no amino-acid change (leucine 72 retained).
Molecular consequence: synonymous variant.
Genome position (GRCh38, 1-based): chr14:60,979,684, A>G on the plus strand (T>C on the coding strand, the complement: TRMT5 is on the minus strand). VCF-style: chr14-60979684-A-G. GRCh37 (hg19) VCF-style: chr14-61446402-A-G.
Other names: c.298T>C, p.Leu100= (NM_001350253.1); c.295T>C, p.Leu99= (NM_001350254.1).
Identifiers: ClinVar variation 1905951 (VCV001905951.7), dbSNP rs183355161, ClinGen allele CA7213957.